The following is an entry in ClinVar:

ClinVar aggregate classification (germline): not provided (0 of 4 stars; one submission).

Conditions:
Familial long QT syndrome (RWS). Also called: Congenital long QT syndrome; Romano-Ward syndrome; VENTRICULAR FIBRILLATION WITH PROLONGED QT INTERVAL. Identifiers: Orphanet 768, MedGen C1141890, MONDO:0019171.

Submission:

Cardiovascular Biomedical Research Unit, Royal Brompton & Harefield NHS Foundation Trust
No classification provided. Condition: Familial long QT syndrome. Review status: no classification provided. Collection method: literature only. Allele origin: germline.
Comment: This variant has been reported as associated with Long QT syndrome in the following publications (PMID:19716085). This is a literature report, and does not necessarily reflect the clinical interpretation of the Imperial College / Royal Brompton Cardiovascular Genetics laboratory.

Literature cited by the submitters: PubMed 19716085; PubMed 22581653.

NM_000238.4(KCNH2):c.121G>T (p.Val41Phe)

Gene: KCNH2 (potassium voltage-gated channel subfamily H member 2; minus strand). Cytogenetic location: 7q36.1.
Variant type: single nucleotide variant.
Coding change: c.121G>T on transcript NM_000238.4 (MANE Select); coding-DNA position 121, G replaced by T.
Protein change: p.Val41Phe; replaces valine 41 with phenylalanine.
Molecular consequence: missense variant.
Genome position (GRCh38, 1-based): chr7:150,974,897, C>A on the plus strand (G>T on the coding strand, the complement: KCNH2 is on the minus strand). VCF-style: chr7-150974897-C-A. GRCh37 (hg19) VCF-style: chr7-150671985-C-A.
Other names: c.121G>T (LRG_288t1); c.121G>T, p.Val41Phe (NM_172056.3); c.-57G>T (NM_001406755.1); short protein forms V41F.
Identifiers: ClinVar variation 67167 (VCV000067167.3), dbSNP rs199472835, ClinGen allele CA004285.
Genomic context (GRCh38, chr7:150,974,897, plus strand): 5'-GCATCACCTCGGCCCGCGAGTAGCCGCACAGCTCGCAGAAGCCGTCGTTGCAGTAGATGA[C>A]GGCGCAGTTCTCCACCCGAGCGTTGGCGATGATGAACTTACGGCCTAGGGGGGCGGGGAG-3'
Protein context (NP_000229.1, residues 31-51): IANARVENCA[Val41Phe]IYCNDGFCEL